The following is an entry in ClinVar:

NM_001040108.2(MLH3):c.1533T>A (p.Pro511=)

Gene: MLH3 (mutL homolog 3; minus strand). Cytogenetic location: 14q24.3.
Variant type: single nucleotide variant.
Coding change: c.1533T>A on transcript NM_001040108.2 (MANE Select); coding-DNA position 1533, T replaced by A.
Protein change: p.Pro511=; no amino-acid change (proline 511 retained).
Molecular consequence: synonymous variant.
Genome position (GRCh38, 1-based): chr14:75,048,123, A>T on the plus strand (T>A on the coding strand, the complement: MLH3 is on the minus strand). VCF-style: chr14-75048123-A-T. GRCh37 (hg19) VCF-style: chr14-75514826-A-T.
Other names: c.1533T>A, p.Pro511= (NM_014381.3).
Identifiers: ClinVar variation 5042237 (VCV005042237.1).
Genomic context (GRCh38, chr14:75,048,123, plus strand): 5'-ACTTTCTTTCCATATTTCTAGATCCTGCCCACTCTCCTCAAAGTGACATGGTGTCTGAAA[A>T]GGGCTTAAAAACATTTCTAAACTGGTTCCACACGGATTTTCTAAAGAGCTATGTTCCAGG-3'
Protein context (NP_001035197.1, residues 501-521): CGTSLEMFLS[Pro511=]FQTPCHFEES

ClinVar aggregate classification (germline): Benign (1 of 4 stars; one submission).

Conditions:
Colorectal cancer, hereditary nonpolyposis, type 7. Identifiers: Orphanet 144, MedGen C1858380, MONDO:0013725, OMIM 614385.

Submission:

Myriad Genetics, Inc.
Classification: Benign for Colorectal cancer, hereditary nonpolyposis, type 7. Last evaluated: 2026-09-18. Review status: criteria provided, single submitter. Criteria: Myriad Autosomal Dominant, Autosomal Recessive and X-Linked Classification Criteria (2023). Collection method: clinical testing. Allele origin: unknown.
Comment: This variant is considered benign. This variant is a silent/synonymous amino acid change and it is not expected to impact splicing.